The following is an entry in ClinVar:

ClinVar aggregate classification (germline): Benign/Likely benign. Review status: criteria provided, multiple submitters, no conflicts (2 of 4 stars). 3 submissions from 3 submitters: Benign (1); Likely benign (2). Last evaluated 2025-02-26.

Conditions:
Familial adenomatous polyposis 1 (FAP1). Also called: FAMILIAL ADENOMATOUS POLYPOSIS 1, ATTENUATED; POLYPOSIS, ADENOMATOUS INTESTINAL. Identifiers: MedGen C2713442, MONDO:0021056, OMIM 175100. Disease mechanism: loss of function.
Hereditary cancer-predisposing syndrome. Also called: Tumor predisposition; Hereditary Cancer Syndrome; Hereditary neoplastic syndrome; Neoplastic Syndromes, Hereditary. Identifiers: Orphanet 140162, MedGen C0027672, MeSH D009386, MONDO:0015356.

Submissions (3):

Ambry Genetics
Classification: Likely benign for Hereditary cancer-predisposing syndrome. Last evaluated: 2025-02-26. Review status: criteria provided, single submitter. Criteria: Ambry Variant Classification Scheme 2023. Collection method: clinical testing. Allele origin: germline.

Myriad Genetics, Inc.
Classification: Benign for Familial adenomatous polyposis 1. Last evaluated: 2024-02-23. Review status: criteria provided, single submitter. Criteria: Myriad Autosomal Dominant, Autosomal Recessive and X-Linked Classification Criteria (2023). Collection method: clinical testing. Allele origin: unknown.
Comment: This variant is considered benign. This variant is a silent/synonymous amino acid change and it is not expected to impact splicing.

Labcorp Genetics (formerly Invitae), Labcorp
Classification: Likely benign for Familial adenomatous polyposis 1. Last evaluated: 2022-09-22. Review status: criteria provided, single submitter. Criteria: Invitae Variant Classification Sherloc (09022015). Collection method: clinical testing. Allele origin: germline.

NM_000038.6(APC):c.495C>T (p.Leu165=)

Gene: APC (APC regulator of Wnt signaling pathway; plus strand). Cytogenetic location: 5q22.2.
Variant type: single nucleotide variant.
Coding change: c.495C>T on transcript NM_000038.6 (MANE Select); coding-DNA position 495, C replaced by T.
Protein change: p.Leu165=; no amino-acid change (leucine 165 retained).
Molecular consequence: synonymous variant. On other transcripts: 5 prime UTR variant (1).
Genome position (GRCh38, 1-based): chr5:112,775,701, C>T. VCF-style: chr5-112775701-C-T. GRCh37 (hg19) VCF-style: chr5-112111398-C-T.
Other names: c.495C>T, p.Leu165= (NM_001127510.3, NM_001354895.2, NM_001354896.2 and 2 more transcripts); c.525C>T, p.Leu175= (NM_001127511.3, NM_001354897.2, NM_001354902.2); c.420C>T, p.Leu140= (NM_001354898.2, NM_001354904.2); c.318C>T, p.Leu106= (NM_001354900.2, NM_001354901.2, NM_001354905.2); c.-541C>T (NM_001354906.2).
Identifiers: ClinVar variation 537605 (VCV000537605.15), dbSNP rs1554071591, ClinGen allele CA445753062.